The following is an entry in ClinVar:

ClinVar aggregate classification (germline): Uncertain significance (1 of 4 stars; one submission).

Submission:

Labcorp Genetics (formerly Invitae), Labcorp
Classification: Uncertain significance. Last evaluated: 2026-01-12. Review status: criteria provided, single submitter. Criteria: Invitae Variant Classification Sherloc (09022015). Collection method: clinical testing. Allele origin: germline.
Comment: This sequence change replaces proline, which is neutral and non-polar, with alanine, which is neutral and non-polar, at codon 141 of the CBX2 protein (p.Pro141Ala). This variant is not present in population databases (gnomAD no frequency). This variant has not been reported in the literature in individuals affected with CBX2-related conditions. Invitae Evidence Modeling of protein sequence and biophysical properties (such as structural, functional, and spatial information, amino acid conservation, physicochemical variation, residue mobility, and thermodynamic stability) indicates that this missense variant is expected to disrupt CBX2 protein function with a positive predictive value of 80%. In summary, the available evidence is currently insufficient to determine the role of this variant in disease. Therefore, it has been classified as a Variant of Uncertain Significance.

NM_005189.3(CBX2):c.421C>G (p.Pro141Ala)

Gene: CBX2 (chromobox 2; plus strand). Cytogenetic location: 17q25.3.
Variant type: single nucleotide variant.
Coding change: c.421C>G on transcript NM_005189.3 (MANE Select); coding-DNA position 421, C replaced by G.
Protein change: p.Pro141Ala; replaces proline 141 with alanine.
Molecular consequence: missense variant.
Genome position (GRCh38, 1-based): chr17:79,783,864, C>G. VCF-style: chr17-79783864-C-G. GRCh37 (hg19) VCF-style: chr17-77757663-C-G.
Other names: short protein forms P141A.
Identifiers: ClinVar variation 4741943 (VCV004741943.1).